The following is an entry in ClinVar:

NM_031229.4(RBCK1):c.838G>A (p.Ala280Thr)

Gene: RBCK1 (RANBP2-type and C3HC4-type zinc finger containing 1; plus strand). Cytogenetic location: 20p13.
Variant type: single nucleotide variant.
Coding change: c.838G>A on transcript NM_031229.4 (MANE Select); coding-DNA position 838, G replaced by A.
Protein change: p.Ala280Thr; replaces alanine 280 with threonine.
Molecular consequence: missense variant. On other transcripts: non-coding transcript variant (1), intron variant (2).
Genome position (GRCh38, 1-based): chr20:420,952, G>A. VCF-style: chr20-420952-G-A. GRCh37 (hg19) VCF-style: chr20-401596-G-A.
Other names: c.712G>A, p.Ala238Thr (NM_006462.6); c.408-1175G>A (NM_001323956.2, NM_001323958.2); short protein forms A238T, A280T.
Identifiers: ClinVar variation 938408 (VCV000938408.8), dbSNP rs367600993, ClinGen allele CA9723204.
Genomic context (GRCh38, chr20:420,952, plus strand): 5'-GGGAACTACCTGCAGCACGTCCAGCTGGACCAGAGGAGCCTGGTGCTGAACACGGAGCCC[G>A]CCGAGTGCCCCGTGTGCTACTCGGTGCTGGCGCCCGGCGAGGCCGTGGTGCTGCGTGAGT-3'
Protein context (NP_112506.2, residues 270-290): QRSLVLNTEP[Ala280Thr]ECPVCYSVLA

ClinVar aggregate classification (germline): Uncertain significance (1 of 4 stars; one submission).

Conditions:
Polyglucosan body myopathy type 1 (PGBM1). Also called: POLYGLUCOSAN BODY MYOPATHY WITHOUT IMMUNODEFICIENCY; Polyglucosan body myopathy 1 with or without immunodeficiency. Identifiers: Orphanet 329173, Orphanet 397937, MedGen C4014605, MONDO:0014389, OMIM 615895.

Allele frequency attached by ClinVar (database versions not stated): gnomAD exomes 0.00001; TOPMed 0.00001; ExAC 0.00005; ESP Exome Variant Server 0.00008.
gnomAD v4.1: 10 of 1,556,698 alleles (0.00064%); highest among the groups gnomAD compares: South Asian, 0.0047%; no homozygotes.

Submission:

Labcorp Genetics (formerly Invitae), Labcorp
Classification: Uncertain significance for Polyglucosan body myopathy type 1. Last evaluated: 2024-02-17. Review status: criteria provided, single submitter. Criteria: Invitae Variant Classification Sherloc (09022015). Collection method: clinical testing. Allele origin: germline.
Comment: This sequence change replaces alanine, which is neutral and non-polar, with threonine, which is neutral and polar, at codon 280 of the RBCK1 protein (p.Ala280Thr). The frequency data for this variant in the population databases is considered unreliable, as metrics indicate poor data quality at this position in the gnomAD database. This variant has not been reported in the literature in individuals affected with RBCK1-related conditions. ClinVar contains an entry for this variant (Variation ID: 938408). Advanced modeling of protein sequence and biophysical properties (such as structural, functional, and spatial information, amino acid conservation, physicochemical variation, residue mobility, and thermodynamic stability) performed at Invitae indicates that this missense variant is not expected to disrupt RBCK1 protein function with a negative predictive value of 80%. In summary, the available evidence is currently insufficient to determine the role of this variant in disease. Therefore, it has been classified as a Variant of Uncertain Significance.